The following is an entry in ClinVar:

ClinVar aggregate classification (germline): Uncertain significance (1 of 4 stars; one submission).

Conditions:
Mowat-Wilson syndrome (MOWS). Also called: Classic Mowat-Wilson Syndrome. Identifiers: Orphanet 2152, MedGen C1856113, MONDO:0009341, OMIM 235730.

Submission:

Labcorp Genetics (formerly Invitae), Labcorp
Classification: Uncertain significance for Mowat-Wilson syndrome. Last evaluated: 2023-05-11. Review status: criteria provided, single submitter. Criteria: Invitae Variant Classification Sherloc (09022015). Collection method: clinical testing. Allele origin: germline.
Comment: In summary, the available evidence is currently insufficient to determine the role of this variant in disease. Therefore, it has been classified as a Variant of Uncertain Significance. Algorithms developed to predict the effect of sequence changes on RNA splicing suggest that this variant may create or strengthen a splice site. Advanced modeling of protein sequence and biophysical properties (such as structural, functional, and spatial information, amino acid conservation, physicochemical variation, residue mobility, and thermodynamic stability) performed at Invitae indicates that this missense variant is not expected to disrupt ZEB2 protein function. This variant has not been reported in the literature in individuals affected with ZEB2-related conditions. This variant is not present in population databases (gnomAD no frequency). This sequence change replaces threonine, which is neutral and polar, with serine, which is neutral and polar, at codon 267 of the ZEB2 protein (p.Thr267Ser).

NM_014795.4(ZEB2):c.799A>T (p.Thr267Ser)

Gene: ZEB2 (zinc finger E-box binding homeobox 2; minus strand). Cytogenetic location: 2q22.3.
Variant type: single nucleotide variant.
Coding change: c.799A>T on transcript NM_014795.4 (MANE Select); coding-DNA position 799, A replaced by T.
Protein change: p.Thr267Ser; replaces threonine 267 with serine.
Molecular consequence: missense variant.
Genome position (GRCh38, 1-based): chr2:144,403,924, T>A on the plus strand (A>T on the coding strand, the complement: ZEB2 is on the minus strand). VCF-style: chr2-144403924-T-A. GRCh37 (hg19) VCF-style: chr2-145161491-T-A.
Other names: c.727A>T, p.Thr243Ser (NM_001171653.2); short protein forms T243S, T267S.
Identifiers: ClinVar variation 2863150 (VCV002863150.3), dbSNP rs2549109227, ClinGen allele CA348714559.
Genomic context (GRCh38, chr2:144,403,924, plus strand): 5'-GTTTCTCTAAGGGGTTATTATAGAAAGAAATCACTTAAAACCATCCCCCCACCTGATCTG[T>A]CCCTGGCTTGTGTGTCACCATATGCCGCTCGAGCTGGGTGCGGTAGGCAAACGTGTAGCT-3'
Protein context (NP_055610.1, residues 257-277): ERHMVTHKPG[Thr267Ser]DQHQMLTQGA